The following is an entry in ClinVar:

NM_001005388.3(NFASC):c.2181C>T (p.Pro727=)

Gene: NFASC (neurofascin; plus strand). Cytogenetic location: 1q32.1.
Variant type: single nucleotide variant.
Coding change: c.2181C>T on transcript NM_001005388.3 (MANE Select); coding-DNA position 2181, C replaced by T.
Protein change: p.Pro727=; no amino-acid change (proline 727 retained).
Molecular consequence: synonymous variant.
Genome position (GRCh38, 1-based): chr1:204,980,374, C>T. VCF-style: chr1-204980374-C-T. GRCh37 (hg19) VCF-style: chr1-204949502-C-T.
Other names: c.2214C>T, p.Pro738= (NM_001160331.2); c.2169C>T, p.Pro723= (NM_001160332.2, NM_001365986.1, NM_015090.4); c.2181C>T, p.Pro727= (NM_001378329.1).
Identifiers: ClinVar variation 3049745 (VCV003049745.2), dbSNP rs12084475, ClinGen allele CA1350208.

ClinVar aggregate classification (germline): Likely benign (0 of 4 stars; one submission).

Conditions:
NFASC-related disorder. Also called: NFASC-related condition.

Allele frequency attached by ClinVar (database versions not stated): gnomAD exomes 0.00017; ExAC 0.00054; 1000 Genomes Project 0.00120; 1000 Genomes Project 30x 0.00156; gnomAD 0.00164; ESP Exome Variant Server 0.00169; TOPMed 0.00192.
gnomAD v4.1: 509 of 1,613,518 alleles (0.032%); highest among the groups gnomAD compares: African/African-American, 0.57%; 2 homozygotes.

Submission:

PreventionGenetics, part of Exact Sciences
Classification: Likely benign for NFASC-related condition. Last evaluated: 2019-07-12. Review status: no assertion criteria provided. Collection method: clinical testing. Allele origin: germline.
Comment: This variant is classified as likely benign based on ACMG/AMP sequence variant interpretation guidelines (Richards et al. 2015 PMID: 25741868, with internal and published modifications).